The following is an entry in ClinVar:

ClinVar aggregate classification (germline): Uncertain significance (1 of 4 stars; one submission).

Allele frequency attached by ClinVar (database versions not stated): gnomAD exomes below 0.00001; ExAC 0.00001; gnomAD 0.00002; TOPMed 0.00002.
gnomAD v4.1: 8 of 1,596,866 alleles (0.0005%); highest among the groups gnomAD compares: African/African-American, 0.0014%; no homozygotes.

Submission:

Labcorp Genetics (formerly Invitae), Labcorp
Classification: Uncertain significance. Last evaluated: 2023-08-08. Review status: criteria provided, single submitter. Criteria: Invitae Variant Classification Sherloc (09022015). Collection method: clinical testing. Allele origin: germline.
Comment: In summary, the available evidence is currently insufficient to determine the role of this variant in disease. Therefore, it has been classified as a Variant of Uncertain Significance. Variants that disrupt the consensus splice site are a relatively common cause of aberrant splicing (PMID: 17576681, 9536098). Algorithms developed to predict the effect of sequence changes on RNA splicing suggest that this variant is not likely to affect RNA splicing. This variant has not been reported in the literature in individuals affected with MAP3K7-related conditions. This variant is present in population databases (rs201188964, gnomAD 0.01%). This sequence change falls in intron 6 of the MAP3K7 gene. It does not directly change the encoded amino acid sequence of the MAP3K7 protein. It affects a nucleotide within the consensus splice site.

Literature cited by the submitters: PubMed 17576681; PubMed 9536098.

NM_145331.3(MAP3K7):c.608-3T>C

Gene: MAP3K7 (mitogen-activated protein kinase kinase kinase 7; minus strand). Cytogenetic location: 6q15.
Variant type: single nucleotide variant.
Coding change: c.608-3T>C on transcript NM_145331.3 (MANE Select); 3 bases into the intron before coding-DNA position 608, T replaced by C.
Molecular consequence: intron variant.
Genome position (GRCh38, 1-based): chr6:90,553,589, A>G on the plus strand (T>C on the coding strand, the complement: MAP3K7 is on the minus strand). VCF-style: chr6-90553589-A-G. GRCh37 (hg19) VCF-style: chr6-91263308-A-G.
Other names: c.608-3T>C (NM_145333.3, NM_003188.4, NM_145332.3).
Identifiers: ClinVar variation 3002838 (VCV003002838.3), dbSNP rs201188964, ClinGen allele CA3928587.